The following is an entry in ClinVar:

NM_000236.3(LIPC):c.718C>T (p.His240Tyr)

Gene: LIPC (lipase C, hepatic type; plus strand). Cytogenetic location: 15q21.3.
Variant type: single nucleotide variant.
Coding change: c.718C>T on transcript NM_000236.3 (MANE Select); coding-DNA position 718, C replaced by T.
Protein change: p.His240Tyr; replaces histidine 240 with tyrosine.
Molecular consequence: missense variant.
Genome position (GRCh38, 1-based): chr15:58,545,885, C>T. VCF-style: chr15-58545885-C-T. GRCh37 (hg19) VCF-style: chr15-58838084-C-T.
Other names: short protein forms H240Y.
Identifiers: ClinVar variation 3628216 (VCV003628216.2).

ClinVar aggregate classification (germline): Uncertain significance (1 of 4 stars; one submission).

gnomAD v4.1: 2 of 1,614,164 alleles (0.00012%); highest among the groups gnomAD compares: African/African-American, 0.0013%; no homozygotes.

Submission:

Labcorp Genetics (formerly Invitae), Labcorp
Classification: Uncertain significance. Last evaluated: 2024-12-21. Review status: criteria provided, single submitter. Criteria: Invitae Variant Classification Sherloc (09022015). Collection method: clinical testing. Allele origin: germline.
Comment: This sequence change replaces histidine, which is basic and polar, with tyrosine, which is neutral and polar, at codon 240 of the LIPC protein (p.His240Tyr). This variant is present in population databases (rs755192110, gnomAD 0.003%). This missense change has been observed in individual(s) with suspected dyslipidemia (PMID: 36325899). Invitae Evidence Modeling of protein sequence and biophysical properties (such as structural, functional, and spatial information, amino acid conservation, physicochemical variation, residue mobility, and thermodynamic stability) indicates that this missense variant is expected to disrupt LIPC protein function with a positive predictive value of 80%. In summary, the available evidence is currently insufficient to determine the role of this variant in disease. Therefore, it has been classified as a Variant of Uncertain Significance.

Literature cited by the submitters: PubMed 36325899.